The following is an entry in ClinVar:

NM_001374736.1(DST):c.13527T>C (p.Asp4509=)

Gene: DST (dystonin; minus strand). Cytogenetic location: 6p12.1.
Variant type: single nucleotide variant.
Coding change: c.13527T>C on transcript NM_001374736.1 (MANE Select); coding-DNA position 13527, T replaced by C.
Protein change: p.Asp4509=; no amino-acid change (aspartic acid 4509 retained).
Molecular consequence: synonymous variant.
Genome position (GRCh38, 1-based): chr6:56,572,774, A>G on the plus strand (T>C on the coding strand, the complement: DST is on the minus strand). VCF-style: chr6-56572774-A-G. GRCh37 (hg19) VCF-style: chr6-56437572-A-G.
Other names: c.7170T>C, p.Asp2390= (NM_001144769.5); c.6756T>C, p.Asp2252= (NM_001144770.2); c.13527T>C, p.Asp4509= (NM_001374722.1); c.12894T>C, p.Asp4298= (NM_001374729.1); c.6636T>C, p.Asp2212= (NM_001374730.1, NM_001386100.1, NM_183380.4); c.13554T>C, p.Asp4518= (NM_001374734.1); c.5658T>C, p.Asp1886= (NM_015548.5); c.7170T>C (NM_001144769.2).
Identifiers: ClinVar variation 1136398 (VCV001136398.10), dbSNP rs543691284, ClinGen allele CA3868208.

ClinVar aggregate classification (germline): Likely benign. Review status: criteria provided, multiple submitters, no conflicts (2 of 4 stars). 2 submissions from 2 submitters: Likely benign (2). Last evaluated 2025-12-29.

Conditions:
DST-related disorder. Also called: DST-related condition; DST-related disorders.
Epidermolysis bullosa simplex 3, localized or generalized intermediate, with BP230 deficiency (EBS3). Also called: Epidermolysis bullosa simplex, autosomal recessive 2; Epidermolysis bullosa simplex due to BP230 deficiency. Identifiers: Orphanet 412181, MedGen C3809470, MONDO:0014180, OMIM 615425.
Hereditary sensory and autonomic neuropathy type 6. Also called: Neuropathy, hereditary sensory and autonomic, type VI; HSAN VI. Identifiers: Orphanet 314381, MedGen C3539003, MONDO:0013839, OMIM 614653.

Allele frequency attached by ClinVar (database versions not stated): gnomAD exomes below 0.00001 and 0.00002; ExAC 0.00002; gnomAD 0.00008; TOPMed 0.00008; 1000 Genomes Project 30x 0.00016; 1000 Genomes Project 0.00020.
gnomAD v4.1: 18 of 1,602,462 alleles (0.0011%); highest among the groups gnomAD compares: African/African-American, 0.02%; no homozygotes.

Submissions (2):

PreventionGenetics, part of Exact Sciences
Classification: Likely benign for DST-related condition. Last evaluated: 2025-12-29. Review status: criteria provided, single submitter. Criteria: ACMG Guidelines, 2015. Collection method: clinical testing. Allele origin: germline.
Comment: This variant is classified as likely benign based on ACMG/AMP sequence variant interpretation guidelines (Richards et al. 2015 PMID: 25741868, with internal and published modifications).

Labcorp Genetics (formerly Invitae), Labcorp
Classification: Likely benign for Epidermolysis bullosa simplex 3, localized or generalized intermediate, with BP230 deficiency; Hereditary sensory and autonomic neuropathy type 6. Last evaluated: 2024-05-21. Review status: criteria provided, single submitter. Criteria: Invitae Variant Classification Sherloc (09022015). Collection method: clinical testing. Allele origin: germline.